The following is an entry in ClinVar:

NM_003719.5(PDE8B):c.1911+4G>A

Gene: PDE8B (phosphodiesterase 8B; plus strand). Cytogenetic location: 5q13.3.
Variant type: single nucleotide variant.
Coding change: c.1911+4G>A on transcript NM_003719.5 (MANE Select); 4 bases into the intron after coding-DNA position 1911, G replaced by A.
Molecular consequence: intron variant.
Genome position (GRCh38, 1-based): chr5:77,413,313, G>A. VCF-style: chr5-77413313-G-A. GRCh37 (hg19) VCF-style: chr5-76709138-G-A.
Other names: c.1671+4G>A (NM_001349750.3); c.1527+4G>A (NM_001376069.1); c.1608+4G>A (NM_001376062.1, NM_001376072.1); c.1467+4G>A (NM_001376070.1); c.1317+4G>A (NM_001376073.1); c.1605+4G>A (NM_001349752.3); c.1464+4G>A (NM_001376071.1); c.1548+4G>A (NM_001376066.1); and 12 more.
Identifiers: ClinVar variation 1473593 (VCV001473593.6), dbSNP rs756937950, ClinGen allele CA3315372.
Genomic context (GRCh38, chr5:77,413,313, plus strand): 5'-CATGCTGCCGACGTCCTGCACGCCACCGCTTTCTTTCTTGGAAAGGAAAGAGTAAAGGTA[G>A]GATTTTGATATCATGACCTAGTTACCTGCCTGGATTGGAGATCCAAGAACTTAATCTTAG-3'

ClinVar aggregate classification (germline): Uncertain significance (1 of 4 stars; one submission).

Allele frequency attached by ClinVar (database versions not stated): TOPMed below 0.00001; ExAC 0.00001; gnomAD 0.00001; gnomAD exomes 0.00001; 1000 Genomes Project 30x 0.00016.
gnomAD v4.1: 10 of 1,612,680 alleles (0.00062%); highest among the groups gnomAD compares: East Asian, 0.02%; no homozygotes.

Submission:

Labcorp Genetics (formerly Invitae), Labcorp
Classification: Uncertain significance. Last evaluated: 2025-05-19. Review status: criteria provided, single submitter. Criteria: Invitae Variant Classification Sherloc (09022015). Collection method: clinical testing. Allele origin: germline.
Comment: This sequence change falls in intron 17 of the PDE8B gene. It does not directly change the encoded amino acid sequence of the PDE8B protein. It affects a nucleotide within the consensus splice site. This variant is present in population databases (rs756937950, gnomAD 0.02%). This variant has not been reported in the literature in individuals affected with PDE8B-related conditions. ClinVar contains an entry for this variant (Variation ID: 1473593). Variants that disrupt the consensus splice site are a relatively common cause of aberrant splicing (PMID: 17576681, 9536098). Algorithms developed to predict the effect of sequence changes on RNA splicing suggest that this variant is not likely to affect RNA splicing. In summary, the available evidence is currently insufficient to determine the role of this variant in disease. Therefore, it has been classified as a Variant of Uncertain Significance.

Literature cited by the submitters: PubMed 17576681; PubMed 9536098.